The following is an entry in ClinVar:

NM_052853.4(ADCK2):c.933+1G>C

Gene: ADCK2 (aarF domain containing kinase 2; plus strand). Cytogenetic location: 7q34.
Variant type: single nucleotide variant.
Coding change: c.933+1G>C on transcript NM_052853.4 (MANE Select); the canonical splice donor site of the intron after coding-DNA position 933, G replaced by C.
Molecular consequence: splice donor variant.
Genome position (GRCh38, 1-based): chr7:140,674,264, G>C. VCF-style: chr7-140674264-G-C. GRCh37 (hg19) VCF-style: chr7-140374064-G-C.
Other names: NC_000007.13:g.140374064G>C.
Identifiers: ClinVar variation 3037734 (VCV003037734.11), dbSNP rs140400082, ClinGen allele CA4515961.

ClinVar aggregate classification (germline): Likely benign. Review status: criteria provided, single submitter (1 of 4 stars). 2 submissions from 2 submitters: Likely benign (1). 1 of the submissions does not count toward it. Last evaluated 2025-08-01.

Conditions:
ADCK2-related disorder. Also called: ADCK2-related condition.

Allele frequency attached by ClinVar (database versions not stated): 1000 Genomes Project 0.00220; 1000 Genomes Project 30x 0.00234; gnomAD 0.00279; TOPMed 0.00303; ESP Exome Variant Server 0.00323; ExAC 0.00414.
gnomAD v4.1: 6,723 of 1,608,648 alleles (0.42%); highest among the groups gnomAD compares: Admixed American, 0.52%; 16 homozygotes.

Submissions (41):

CeGaT Center for Human Genetics Tuebingen
Classification: Likely benign. Last evaluated: 2025-08-01. Review status: criteria provided, single submitter. Criteria: CeGaT Center For Human Genetics Tuebingen Variant Classification Criteria Version 2. Collection method: clinical testing. Allele origin: germline. Affected: yes. Observed: 1 variant allele.
Comment: ADCK2: BS2

PreventionGenetics, part of Exact Sciences
Classification: Likely benign for ADCK2-related condition. Last evaluated: 2023-01-30. Review status: no assertion criteria provided. Collection method: clinical testing. Allele origin: germline. Not counted in ClinVar's aggregate classification.
Comment: This variant is classified as likely benign based on ACMG/AMP sequence variant interpretation guidelines (Richards et al. 2015 PMID: 25741868, with internal and published modifications).

Dr. Peter K. Rogan Lab, Western University
No classification provided (evidence only). Condition: Malignant tumor of urinary bladder. Review status: no classification provided. Collection method: in vitro. Allele origin: not applicable. Functional consequence: retained intron. Not counted in ClinVar's aggregate classification.

Dr. Peter K. Rogan Lab, Western University
No classification provided (evidence only). Condition: Malignant tumor of urinary bladder. Review status: no classification provided. Collection method: in vitro. Allele origin: not applicable. Functional consequence: retained intron. Not counted in ClinVar's aggregate classification.

Dr. Peter K. Rogan Lab, Western University
No classification provided (evidence only). Condition: Clear cell carcinoma of kidney. Review status: no classification provided. Collection method: in vitro. Allele origin: not applicable. Functional consequence: retained intron. Not counted in ClinVar's aggregate classification.

Dr. Peter K. Rogan Lab, Western University
No classification provided (evidence only). Condition: Clear cell carcinoma of kidney. Review status: no classification provided. Collection method: in vitro. Allele origin: not applicable. Functional consequence: retained intron. Not counted in ClinVar's aggregate classification.

Dr. Peter K. Rogan Lab, Western University
No classification provided (evidence only). Condition: Papillary renal cell carcinoma type 1. Review status: no classification provided. Collection method: in vitro. Allele origin: not applicable. Functional consequence: retained intron. Not counted in ClinVar's aggregate classification.

Dr. Peter K. Rogan Lab, Western University
No classification provided (evidence only). Condition: Lung cancer. Review status: no classification provided. Collection method: in vitro. Allele origin: not applicable. Functional consequence: retained intron. Not counted in ClinVar's aggregate classification.

Dr. Peter K. Rogan Lab, Western University
No classification provided (evidence only). Condition: Lung cancer. Review status: no classification provided. Collection method: in vitro. Allele origin: not applicable. Functional consequence: retained intron. Not counted in ClinVar's aggregate classification.

Dr. Peter K. Rogan Lab, Western University
No classification provided (evidence only). Condition: Lung cancer. Review status: no classification provided. Collection method: in vitro. Allele origin: not applicable. Functional consequence: retained intron. Not counted in ClinVar's aggregate classification.

Dr. Peter K. Rogan Lab, Western University
No classification provided (evidence only). Condition: Familial cancer of breast. Review status: no classification provided. Collection method: in vitro. Allele origin: not applicable. Functional consequence: retained intron. Not counted in ClinVar's aggregate classification.

Dr. Peter K. Rogan Lab, Western University
No classification provided (evidence only). Condition: Familial cancer of breast. Review status: no classification provided. Collection method: in vitro. Allele origin: not applicable. Functional consequence: retained intron. Not counted in ClinVar's aggregate classification.

Dr. Peter K. Rogan Lab, Western University
No classification provided (evidence only). Condition: Colon adenocarcinoma. Review status: no classification provided. Collection method: in vitro. Allele origin: not applicable. Functional consequence: retained intron. Not counted in ClinVar's aggregate classification.

Dr. Peter K. Rogan Lab, Western University
No classification provided (evidence only). Condition: Thyroid cancer, nonmedullary, 1. Review status: no classification provided. Collection method: in vitro. Allele origin: not applicable. Functional consequence: retained intron. Not counted in ClinVar's aggregate classification.

Dr. Peter K. Rogan Lab, Western University
No classification provided (evidence only). Condition: Thyroid cancer, nonmedullary, 1. Review status: no classification provided. Collection method: in vitro. Allele origin: not applicable. Functional consequence: retained intron. Not counted in ClinVar's aggregate classification.

Dr. Peter K. Rogan Lab, Western University
No classification provided (evidence only). Condition: Thyroid cancer, nonmedullary, 1. Review status: no classification provided. Collection method: in vitro. Allele origin: not applicable. Functional consequence: retained intron. Not counted in ClinVar's aggregate classification.

Dr. Peter K. Rogan Lab, Western University
No classification provided (evidence only). Condition: Uterine corpus endometrial carcinoma. Review status: no classification provided. Collection method: in vitro. Allele origin: not applicable. Functional consequence: retained intron. Not counted in ClinVar's aggregate classification.

Dr. Peter K. Rogan Lab, Western University
No classification provided (evidence only). Condition: Cervical cancer. Review status: no classification provided. Collection method: in vitro. Allele origin: not applicable. Functional consequence: retained intron. Not counted in ClinVar's aggregate classification.

Dr. Peter K. Rogan Lab, Western University
No classification provided (evidence only). Condition: Sarcoma. Review status: no classification provided. Collection method: in vitro. Allele origin: not applicable. Functional consequence: retained intron. Not counted in ClinVar's aggregate classification.

Dr. Peter K. Rogan Lab, Western University
No classification provided (evidence only). Condition: Sarcoma. Review status: no classification provided. Collection method: in vitro. Allele origin: not applicable. Functional consequence: retained intron. Not counted in ClinVar's aggregate classification.

Dr. Peter K. Rogan Lab, Western University
No classification provided (evidence only). Condition: Hepatocellular carcinoma. Review status: no classification provided. Collection method: in vitro. Allele origin: not applicable. Functional consequence: retained intron. Not counted in ClinVar's aggregate classification.

Dr. Peter K. Rogan Lab, Western University
No classification provided (evidence only). Condition: Hepatocellular carcinoma. Review status: no classification provided. Collection method: in vitro. Allele origin: not applicable. Functional consequence: retained intron. Not counted in ClinVar's aggregate classification.

Dr. Peter K. Rogan Lab, Western University
No classification provided (evidence only). Condition: Hepatocellular carcinoma. Review status: no classification provided. Collection method: in vitro. Allele origin: not applicable. Functional consequence: retained intron. Not counted in ClinVar's aggregate classification.

Dr. Peter K. Rogan Lab, Western University
No classification provided (evidence only). Condition: Thymoma. Review status: no classification provided. Collection method: in vitro. Allele origin: not applicable. Functional consequence: retained intron. Not counted in ClinVar's aggregate classification.

Dr. Peter K. Rogan Lab, Western University
No classification provided (evidence only). Condition: Ovarian serous cystadenocarcinoma. Review status: no classification provided. Collection method: in vitro. Allele origin: not applicable. Functional consequence: retained intron. Not counted in ClinVar's aggregate classification.

Dr. Peter K. Rogan Lab, Western University
No classification provided (evidence only). Condition: Ovarian serous cystadenocarcinoma. Review status: no classification provided. Collection method: in vitro. Allele origin: not applicable. Functional consequence: retained intron. Not counted in ClinVar's aggregate classification.

Dr. Peter K. Rogan Lab, Western University
No classification provided (evidence only). Condition: Ovarian serous cystadenocarcinoma. Review status: no classification provided. Collection method: in vitro. Allele origin: not applicable. Functional consequence: retained intron. Not counted in ClinVar's aggregate classification.

Dr. Peter K. Rogan Lab, Western University
No classification provided (evidence only). Condition: Ovarian serous cystadenocarcinoma. Review status: no classification provided. Collection method: in vitro. Allele origin: not applicable. Functional consequence: retained intron. Not counted in ClinVar's aggregate classification.

Dr. Peter K. Rogan Lab, Western University
No classification provided (evidence only). Condition: Ovarian serous cystadenocarcinoma. Review status: no classification provided. Collection method: in vitro. Allele origin: not applicable. Functional consequence: retained intron. Not counted in ClinVar's aggregate classification.

Dr. Peter K. Rogan Lab, Western University
No classification provided (evidence only). Condition: Ovarian serous cystadenocarcinoma. Review status: no classification provided. Collection method: in vitro. Allele origin: not applicable. Functional consequence: retained intron. Not counted in ClinVar's aggregate classification.

Dr. Peter K. Rogan Lab, Western University
No classification provided (evidence only). Condition: Ovarian serous cystadenocarcinoma. Review status: no classification provided. Collection method: in vitro. Allele origin: not applicable. Functional consequence: retained intron. Not counted in ClinVar's aggregate classification.

Dr. Peter K. Rogan Lab, Western University
No classification provided (evidence only). Condition: Gastric cancer. Review status: no classification provided. Collection method: in vitro. Allele origin: not applicable. Functional consequence: retained intron. Not counted in ClinVar's aggregate classification.

Dr. Peter K. Rogan Lab, Western University
No classification provided (evidence only). Condition: Adrenocortical carcinoma, hereditary. Review status: no classification provided. Collection method: in vitro. Allele origin: not applicable. Functional consequence: retained intron. Not counted in ClinVar's aggregate classification.

Dr. Peter K. Rogan Lab, Western University
No classification provided (evidence only). Condition: Adrenocortical carcinoma, hereditary. Review status: no classification provided. Collection method: in vitro. Allele origin: not applicable. Functional consequence: retained intron. Not counted in ClinVar's aggregate classification.

Dr. Peter K. Rogan Lab, Western University
No classification provided (evidence only). Condition: Adrenocortical carcinoma, hereditary. Review status: no classification provided. Collection method: in vitro. Allele origin: not applicable. Functional consequence: retained intron. Not counted in ClinVar's aggregate classification.

Dr. Peter K. Rogan Lab, Western University
No classification provided (evidence only). Condition: Uveal melanoma. Review status: no classification provided. Collection method: in vitro. Allele origin: not applicable. Functional consequence: retained intron. Not counted in ClinVar's aggregate classification.

Dr. Peter K. Rogan Lab, Western University
No classification provided (evidence only). Condition: Uveal melanoma. Review status: no classification provided. Collection method: in vitro. Allele origin: not applicable. Functional consequence: retained intron. Not counted in ClinVar's aggregate classification.

Dr. Peter K. Rogan Lab, Western University
No classification provided (evidence only). Condition: Familial pancreatic carcinoma. Review status: no classification provided. Collection method: in vitro. Allele origin: not applicable. Functional consequence: retained intron. Not counted in ClinVar's aggregate classification.

Dr. Peter K. Rogan Lab, Western University
No classification provided (evidence only). Condition: Lymphoma. Review status: no classification provided. Collection method: in vitro. Allele origin: not applicable. Functional consequence: retained intron. Not counted in ClinVar's aggregate classification.

Dr. Peter K. Rogan Lab, Western University
No classification provided (evidence only). Condition: Lymphoma. Review status: no classification provided. Collection method: in vitro. Allele origin: not applicable. Functional consequence: retained intron. Not counted in ClinVar's aggregate classification.

Dr. Peter K. Rogan Lab, Western University
No classification provided (evidence only). Condition: Lymphoma. Review status: no classification provided. Collection method: in vitro. Allele origin: not applicable. Functional consequence: retained intron. Not counted in ClinVar's aggregate classification.